The following is an entry in ClinVar:

NM_001376.5(DYNC1H1):c.13796A>C (p.Glu4599Ala)

Gene: DYNC1H1 (dynein cytoplasmic 1 heavy chain 1; plus strand). Cytogenetic location: 14q32.31.
Variant type: single nucleotide variant.
Coding change: c.13796A>C on transcript NM_001376.5 (MANE Select); coding-DNA position 13796, A replaced by C.
Protein change: p.Glu4599Ala; replaces glutamic acid 4599 with alanine.
Molecular consequence: missense variant.
Genome position (GRCh38, 1-based): chr14:102,050,182, A>C. VCF-style: chr14-102050182-A-C. GRCh37 (hg19) VCF-style: chr14-102516519-A-C.
Other names: short protein forms E4599A.
Identifiers: ClinVar variation 1349089 (VCV001349089.6), dbSNP rs2152601545, ClinGen allele CA391052200.

ClinVar aggregate classification (germline): Uncertain significance (1 of 4 stars; one submission).

Conditions:
Charcot-Marie-Tooth disease axonal type 2O. Also called: Charcot-Marie-Tooth disease, axonal, type 20; CHARCOT-MARIE-TOOTH NEUROPATHY, AXONAL, TYPE 2O; CHARCOT-MARIE-TOOTH DISEASE, AXONAL, AUTOSOMAL DOMINANT, TYPE 2O; Charcot-Marie-Tooth Neuropathy Type 2O. Identifiers: Orphanet 284232, MedGen C3280220, MONDO:0013644, OMIM 614228.

Submission:

Labcorp Genetics (formerly Invitae), Labcorp
Classification: Uncertain significance for Charcot-Marie-Tooth disease axonal type 2O. Last evaluated: 2024-10-30. Review status: criteria provided, single submitter. Criteria: Invitae Variant Classification Sherloc (09022015). Collection method: clinical testing. Allele origin: germline.
Comment: This sequence change replaces glutamic acid, which is acidic and polar, with alanine, which is neutral and non-polar, at codon 4599 of the DYNC1H1 protein (p.Glu4599Ala). This variant is not present in population databases (gnomAD no frequency). This variant has not been reported in the literature in individuals affected with DYNC1H1-related conditions. ClinVar contains an entry for this variant (Variation ID: 1349089). Invitae Evidence Modeling of protein sequence and biophysical properties (such as structural, functional, and spatial information, amino acid conservation, physicochemical variation, residue mobility, and thermodynamic stability) indicates that this missense variant is not expected to disrupt DYNC1H1 protein function with a negative predictive value of 95%. In summary, the available evidence is currently insufficient to determine the role of this variant in disease. Therefore, it has been classified as a Variant of Uncertain Significance.